The following is an entry in ClinVar:

ClinVar aggregate classification (germline): Conflicting classifications of pathogenicity. Review status: criteria provided, conflicting classifications (1 of 4 stars). 4 submissions from 4 submitters: Uncertain significance (2); Likely benign (2). Last evaluated 2026-01-05.

Conditions:
Marfan syndrome (MFS). Also called: MARFAN SYNDROME, TYPE I; FBN1-Related Marfan Syndrome; Marfan syndrome type 1; Marfan's syndrome; Marfan syndrome, classic. Identifiers: Orphanet 284963, Orphanet 558, MedGen C0024796, MONDO:0007947, OMIM 154700.
Familial thoracic aortic aneurysm and aortic dissection (TAAD). Also called: Thoracic aortic aneurysms and dissections. Identifiers: Orphanet 91387, MedGen C4707243, MONDO:0019625.

gnomAD v4.1: 1 of 1,612,964 alleles (0.000062%); no homozygotes.

Submissions (4):

Labcorp Genetics (formerly Invitae), Labcorp
Classification: Likely benign for Marfan syndrome; Familial thoracic aortic aneurysm and aortic dissection. Last evaluated: 2026-01-05. Review status: criteria provided, single submitter. Criteria: Invitae Variant Classification Sherloc (09022015). Collection method: clinical testing. Allele origin: germline.

All of Us Research Program, National Institutes of Health
Classification: Uncertain significance for Marfan syndrome. Last evaluated: 2023-11-20. Review status: criteria provided, single submitter. Criteria: ACMG Guidelines, 2015. Collection method: clinical testing. Allele origin: germline. Inheritance: Autosomal dominant inheritance. Observed: 1 variant allele, 1 heterozygote.
Comment: This variant causes an A to G nucleotide substitution at the -4 position of intron 3 of the FBN1 gene. To our knowledge, functional studies have not been reported for this variant. This variant has not been reported in individuals affected with FBN1-related disorders in the literature. This variant has not been identified in the general population by the Genome Aggregation Database (gnomAD). The available evidence is insufficient to determine the role of this variant in disease conclusively. Therefore, this variant is classified as a Variant of Uncertain Significance.

This study involves interpretation of variants in research participants for the purpose of population health screening. Participant phenotype was not available at the time of variant classification. Additional details can be found in publication PMID: 35346344, PMCID: PMC8962531

Color Diagnostics, LLC DBA Color Health
Classification: Uncertain significance for Familial thoracic aortic aneurysm and aortic dissection. Last evaluated: 2023-10-26. Review status: criteria provided, single submitter. Criteria: ACMG Guidelines, 2015. Collection method: clinical testing. Allele origin: germline.
Comment: This variant causes an A to G nucleotide substitution at the -4 position of intron 3 of the FBN1 gene. To our knowledge, functional studies have not been reported for this variant. This variant has not been reported in individuals affected with FBN1-related disorders in the literature. This variant has not been identified in the general population by the Genome Aggregation Database (gnomAD). The available evidence is insufficient to determine the role of this variant in disease conclusively. Therefore, this variant is classified as a Variant of Uncertain Significance.

Ambry Genetics
Classification: Likely benign for Familial thoracic aortic aneurysm and aortic dissection. Last evaluated: 2022-01-06. Review status: criteria provided, single submitter. Criteria: Ambry Variant Classification Scheme 2023. Collection method: clinical testing. Allele origin: germline.

NM_000138.5(FBN1):c.248-4A>G

Gene: FBN1 (fibrillin 1; minus strand). Cytogenetic location: 15q21.1.
Variant type: single nucleotide variant.
Coding change: c.248-4A>G on transcript NM_000138.5 (MANE Select); 4 bases into the intron before coding-DNA position 248, A replaced by G.
Molecular consequence: intron variant.
Genome position (GRCh38, 1-based): chr15:48,610,830, T>C on the plus strand (A>G on the coding strand, the complement: FBN1 is on the minus strand). VCF-style: chr15-48610830-T-C. GRCh37 (hg19) VCF-style: chr15-48903027-T-C.
Identifiers: ClinVar variation 760262 (VCV000760262.13), dbSNP rs1597631751, ClinGen allele CA915946002.